The following is an entry in ClinVar:

ClinVar aggregate classification (germline): Likely pathogenic (1 of 4 stars; one submission).

Submission:

Labcorp Genetics (formerly Invitae), Labcorp
Classification: Likely pathogenic. Last evaluated: 2024-02-25. Review status: criteria provided, single submitter. Criteria: Invitae Variant Classification Sherloc (09022015). Collection method: clinical testing. Allele origin: germline.
Comment: This sequence change affects a donor splice site in intron 31 of the LRPPRC gene. It is expected to disrupt RNA splicing. Variants that disrupt the donor or acceptor splice site typically lead to a loss of protein function (PMID: 16199547), and loss-of-function variants in LRPPRC are known to be pathogenic (PMID: 26510951). This variant is not present in population databases (gnomAD no frequency). This variant has not been reported in the literature in individuals affected with LRPPRC-related conditions. ClinVar contains an entry for this variant (Variation ID: 1068273). Algorithms developed to predict the effect of sequence changes on RNA splicing suggest that this variant may disrupt the consensus splice site. In summary, the currently available evidence indicates that the variant is pathogenic, but additional data are needed to prove that conclusively. Therefore, this variant has been classified as Likely Pathogenic.

Literature cited by the submitters: PubMed 16199547; PubMed 26510951.

NM_133259.4(LRPPRC):c.3364+1G>A

Gene: LRPPRC (leucine rich pentatricopeptide repeat containing; minus strand). Cytogenetic location: 2p21.
Variant type: single nucleotide variant.
Coding change: c.3364+1G>A on transcript NM_133259.4 (MANE Select); the canonical splice donor site of the intron after coding-DNA position 3364, G replaced by A.
Molecular consequence: splice donor variant.
Genome position (GRCh38, 1-based): chr2:43,905,691, C>T on the plus strand (G>A on the coding strand, the complement: LRPPRC is on the minus strand). VCF-style: chr2-43905691-C-T. GRCh37 (hg19) VCF-style: chr2-44132830-C-T.
Identifiers: ClinVar variation 1068273 (VCV001068273.7), dbSNP rs1671044312, ClinGen allele CA346664823.